The following is an entry in ClinVar:

NM_058216.3(RAD51C):c.869T>C (p.Ile290Thr)

Gene: RAD51C (RAD51 paralog C; plus strand). Cytogenetic location: 17q22.
Variant type: single nucleotide variant.
Coding change: c.869T>C on transcript NM_058216.3 (MANE Select); coding-DNA position 869, T replaced by C.
Protein change: p.Ile290Thr; replaces isoleucine 290 with threonine.
Molecular consequence: missense variant. On other transcripts: non-coding transcript variant (1).
Genome position (GRCh38, 1-based): chr17:58,720,777, T>C. VCF-style: chr17-58720777-T-C. GRCh37 (hg19) VCF-style: chr17-56798138-T-C.
Other names: short protein forms I290T.
Identifiers: ClinVar variation 246254 (VCV000246254.25), dbSNP rs749645694, ClinGen allele CA8677345.
Genomic context (GRCh38, chr17:58,720,777, plus strand): 5'-CCTAATTTTCTTACATTTTGTTTTTGTAGGTAATTTTAACCAATCAGATGACAACAAAGA[T>C]TGATAGAAATCAGGCCTTGCTTGTTCCTGCATTAGGTGGGTAATTAATCAGATAAACATT-3'
Protein context (NP_478123.1, residues 280-300): VILTNQMTTK[Ile290Thr]DRNQALLVPA

ClinVar aggregate classification (germline): Conflicting classifications of pathogenicity. Review status: criteria provided, conflicting classifications (1 of 4 stars). 7 submissions from 7 submitters: Uncertain significance (6); Likely benign (1). Last evaluated 2025-09-19.

Conditions:
Breast-ovarian cancer, familial, susceptibility to, 3. Also called: RAD51C-Related Breast/Ovarian Cancer. Identifiers: Orphanet 145, MedGen C3150659, MONDO:0013253, OMIM 613399.
Hereditary cancer-predisposing syndrome. Also called: Neoplastic Syndromes, Hereditary; Tumor predisposition; Hereditary neoplastic syndrome; Hereditary Cancer Syndrome. Identifiers: Orphanet 140162, MedGen C0027672, MeSH D009386, MONDO:0015356.
Fanconi anemia complementation group O. Also called: RAD51C-Related Fanconi Anemia. Identifiers: Orphanet 84, MedGen C3150653, MONDO:0013248, OMIM 613390.

Allele frequency attached by ClinVar (database versions not stated): gnomAD exomes below 0.00001; TOPMed below 0.00001; ExAC 0.00001; gnomAD 0.00001.

Submissions (7):

Labcorp Genetics (formerly Invitae), Labcorp
Classification: Uncertain significance for Fanconi anemia complementation group O. Last evaluated: 2025-09-19. Review status: criteria provided, single submitter. Criteria: Invitae Variant Classification Sherloc (09022015). Collection method: clinical testing. Allele origin: germline.
Comment: This sequence change replaces isoleucine, which is neutral and non-polar, with threonine, which is neutral and polar, at codon 290 of the RAD51C protein (p.Ile290Thr). This variant is present in population databases (rs749645694, gnomAD 0.007%). This missense change has been observed in individual(s) with breast cancer and/or ovarian cancer (PMID: 21537932, 35451682). ClinVar contains an entry for this variant (Variation ID: 246254). Invitae Evidence Modeling of protein sequence and biophysical properties (such as structural, functional, and spatial information, amino acid conservation, physicochemical variation, residue mobility, and thermodynamic stability) indicates that this missense variant is not expected to disrupt RAD51C protein function with a negative predictive value of 80%. In summary, the available evidence is currently insufficient to determine the role of this variant in disease. Therefore, it has been classified as a Variant of Uncertain Significance.

Myriad Genetics, Inc.
Classification: Likely benign for Breast-ovarian cancer, familial, susceptibility to, 3. Last evaluated: 2025-02-19. Review status: criteria provided, single submitter. Criteria: Myriad Autosomal Dominant, Autosomal Recessive and X-Linked Classification Criteria (2023). Collection method: clinical testing. Allele origin: unknown.
Comment: This variant is considered likely benign. This variant is strongly associated with less severe personal and family histories of cancer, typical for individuals without pathogenic variants in this gene [PMID: 25085752].

St. Jude Molecular Pathology, St. Jude Children's Research Hospital
Classification: Uncertain significance for Breast-ovarian cancer, familial, susceptibility to, 3. Last evaluated: 2024-11-21. Review status: criteria provided, single submitter. Criteria: St. Jude Assertion Criteria 2020. Collection method: clinical testing. Allele origin: germline.
Comment: The RAD51C c.869T>C (p.Ile290Thr) missense change has a maximum subpopulation frequency of 0.006% in gnomAD v2.1.1. The in silico tool REVEL predicts a benign effect on protein function, but to our knowledge this prediction has not been confirmed by functional studies. This variant has been reported in an individual with breast cancer (PMID: 21537932). In summary, the evidence currently available is insufficient to determine the clinical significance of this variant. It has therefore been classified as of uncertain significance.

Ambry Genetics
Classification: Uncertain significance for Hereditary cancer-predisposing syndrome. Last evaluated: 2024-08-29. Review status: criteria provided, single submitter. Criteria: Ambry Variant Classification Scheme 2023. Collection method: clinical testing. Allele origin: germline.
Comment: The p.I290T variant (also known as c.869T>C), located in coding exon 6 of the RAD51C gene, results from a T to C substitution at nucleotide position 869. The isoleucine at codon 290 is replaced by threonine, an amino acid with similar properties. This alteration was reported in one family with familial breast cancer (Romero A et al. Breast Cancer Res. Treat., 2011 Oct;129:939-46). This amino acid position is well conserved in available vertebrate species. In addition, this alteration is predicted to be tolerated by in silico analysis. Since supporting evidence is limited at this time, the clinical significance of this alteration remains unclear.

Baylor Genetics
Classification: Uncertain significance for Breast-ovarian cancer, familial, susceptibility to, 3. Last evaluated: 2023-11-23. Review status: criteria provided, single submitter. Criteria: ACMG Guidelines, 2015. Collection method: clinical testing. Allele origin: unknown.

GeneDx
Classification: Uncertain significance. Last evaluated: 2022-09-01. Review status: criteria provided, single submitter. Criteria: GeneDx Variant Classification Process June 2021. Collection method: clinical testing. Allele origin: germline. Affected: yes.
Comment: Not observed at significant frequency in large population cohorts (gnomAD); In silico analysis supports that this missense variant does not alter protein structure/function; Observed in individuals with a personal and/or family history of breast cancer (Osorio et al., 2012); This variant is associated with the following publications: (PMID: 21537932, 25470109, 14704354, 22451500)

Color Diagnostics, LLC DBA Color Health
Classification: Uncertain significance for Hereditary cancer-predisposing syndrome. Last evaluated: 2019-04-24. Review status: criteria provided, single submitter. Criteria: ACMG Guidelines, 2015. Collection method: clinical testing. Allele origin: germline.

Literature cited by the submitters: PubMed 21537932 (cited by Labcorp Genetics (formerly Invitae), Labcorp and Ambry Genetics); PubMed 35451682 (cited by Labcorp Genetics (formerly Invitae), Labcorp); PubMed 25085752 (cited by Myriad Genetics, Inc.); PubMed 22451500 (cited by Ambry Genetics); PubMed 23117857 (cited by Ambry Genetics); PubMed 25470109 (cited by Ambry Genetics).